The following is an entry in ClinVar:

ClinVar aggregate classification (germline): Uncertain significance (1 of 4 stars; one submission).

Allele frequency attached by ClinVar (database versions not stated): ExAC 0.00002; gnomAD exomes 0.00003; TOPMed 0.00004; gnomAD 0.00005; 1000 Genomes Project 30x 0.00016; 1000 Genomes Project 0.00020.
gnomAD v4.1: 45 of 1,614,266 alleles (0.0028%); highest among the groups gnomAD compares: Admixed American, 0.0083%; no homozygotes.

Submission:

Labcorp Genetics (formerly Invitae), Labcorp
Classification: Uncertain significance. Last evaluated: 2024-11-19. Review status: criteria provided, single submitter. Criteria: Invitae Variant Classification Sherloc (09022015). Collection method: clinical testing. Allele origin: germline.
Comment: This sequence change replaces threonine, which is neutral and polar, with alanine, which is neutral and non-polar, at codon 232 of the DIP2C protein (p.Thr232Ala). This variant is present in population databases (rs200266725, gnomAD 0.005%). This variant has not been reported in the literature in individuals affected with DIP2C-related conditions. ClinVar contains an entry for this variant (Variation ID: 1952884). An algorithm developed to predict the effect of missense changes on protein structure and function outputs the following: PolyPhen-2: "Benign". The alanine amino acid residue is found in multiple mammalian species, which suggests that this missense change does not adversely affect protein function. In summary, the available evidence is currently insufficient to determine the role of this variant in disease. Therefore, it has been classified as a Variant of Uncertain Significance.

NM_014974.3(DIP2C):c.694A>G (p.Thr232Ala)

Gene: DIP2C (DIP2 acetate--CoA ligase C (putative); minus strand). Cytogenetic location: 10p15.3.
Variant type: single nucleotide variant.
Coding change: c.694A>G on transcript NM_014974.3 (MANE Select); coding-DNA position 694, A replaced by G.
Protein change: p.Thr232Ala; replaces threonine 232 with alanine.
Molecular consequence: missense variant.
Genome position (GRCh38, 1-based): chr10:419,110, T>C on the plus strand (A>G on the coding strand, the complement: DIP2C is on the minus strand). VCF-style: chr10-419110-T-C. GRCh37 (hg19) VCF-style: chr10-465050-T-C.
Other names: short protein forms T232A.
Identifiers: ClinVar variation 1952884 (VCV001952884.5), dbSNP rs200266725, ClinGen allele CA5381234.
Genomic context (GRCh38, chr10:419,110, plus strand): 5'-TCCTTTGGGACGTACCATCCCCGGTCTCCATGAGCTCGGCGTTGCCGTACTTGGGCGCTG[T>C]CCGGGACCCCGTGGAACCCTGCGGTCTCTCCACCTGTATCGAGTGCTCTGAGGTGTACGT-3'
Protein context (NP_055789.1, residues 222-242): ERPQGSTGSR[Thr232Ala]APKYGNAELM